The following is an entry in ClinVar:

NM_002637.4(PHKA1):c.1684A>G (p.Ile562Val)

Gene: PHKA1 (phosphorylase kinase regulatory subunit alpha 1; minus strand). Cytogenetic location: Xq13.1.
Variant type: single nucleotide variant.
Coding change: c.1684A>G on transcript NM_002637.4 (MANE Select); coding-DNA position 1684, A replaced by G.
Protein change: p.Ile562Val; replaces isoleucine 562 with valine.
Molecular consequence: missense variant.
Genome position (GRCh38, 1-based): chrX:72,635,185, T>C on the plus strand (A>G on the coding strand, the complement: PHKA1 is on the minus strand). VCF-style: chrX-72635185-T-C. GRCh37 (hg19) VCF-style: chrX-71855035-T-C.
Other names: c.1684A>G, p.Ile562Val (NM_001122670.2, NM_001172436.2, NM_001431068.1 and 2 more transcripts); short protein forms I562V.
Identifiers: ClinVar variation 4627391 (VCV004627391.1).
Genomic context (GRCh38, chrX:72,635,185, plus strand): 5'-CATTCGTTCCTTGCCTCATGCAGCCCTTACCAAGCATGCTGTGTGAGATGGGGAAGGTGA[T>C]GGTGGGCTGGCCTGTCATCCGCCAGCGGCTACAGAGGTAGGAGAGGTCTGTTCTAAGCAT-3'
Protein context (NP_002628.2, residues 552-572): SRWRMTGQPT[Ile562Val]TFPISHSMLD

ClinVar aggregate classification (germline): Uncertain significance (1 of 4 stars; one submission).

Conditions:
Inborn genetic diseases. Identifiers: MedGen C0950123, MeSH D030342.

gnomAD v4.1: 10 of 1,210,359 alleles (0.00083%); highest among the groups gnomAD compares: Middle Eastern, 0.023%; no homozygotes.

Submission:

Ambry Genetics
Classification: Uncertain significance for Inborn genetic diseases. Last evaluated: 2025-09-28. Review status: criteria provided, single submitter. Criteria: Ambry Variant Classification Scheme 2023. Collection method: clinical testing. Allele origin: germline.
Comment: The c.1684A>G (p.I562V) alteration is located in exon 16 (coding exon 16) of the PHKA1 gene. This alteration results from a A to G substitution at nucleotide position 1684, causing the isoleucine (I) at amino acid position 562 to be replaced by a valine (V). Based on data from gnomAD, the G allele has an overall frequency of 0.002% (3/205512) total alleles studied. The highest observed frequency was 0.007% (2/28031) of Latino alleles. Based on insufficient or conflicting evidence, the clinical significance of this alteration remains unclear.